The following is an entry in ClinVar:

ClinVar aggregate classification (germline): Uncertain significance (1 of 4 stars; one submission).

gnomAD v4.1: 2 of 1,612,806 alleles (0.00012%); highest among the groups gnomAD compares: Admixed American, 0.0017%; no homozygotes.

Submission:

Women's Health and Genetics/Laboratory Corporation of America, LabCorp
Classification: Uncertain significance. Last evaluated: 2025-12-31. Review status: criteria provided, single submitter. Criteria: LabCorp Variant Classification Summary - May 2015. Collection method: clinical testing. Allele origin: germline.
Comment: Variant summary: KCNQ5 c.461A>G (p.Lys154Arg) results in a conservative amino acid change in the encoded protein sequence. Algorithms developed to predict the effect of missense changes on protein structure and function all suggest that this variant is likely to be tolerated. The variant allele was found at a frequency of 4e-06 in 251114 control chromosomes. The available data on variant occurrences in the general population are insufficient to allow any conclusion about variant significance. To our knowledge, no occurrence of c.461A>G in individuals affected with KCNQ5-related conditions and no experimental evidence demonstrating its impact on protein function have been reported. No submitters have cited clinical-significance assessments for this variant to ClinVar. Based on the evidence outlined above, the variant was classified as uncertain significance.

NM_019842.4(KCNQ5):c.461A>G (p.Lys154Arg)

Gene: KCNQ5 (potassium voltage-gated channel subfamily Q member 5; plus strand). Cytogenetic location: 6q13.
Variant type: single nucleotide variant.
Coding change: c.461A>G on transcript NM_019842.4 (MANE Select); coding-DNA position 461, A replaced by G.
Protein change: p.Lys154Arg; replaces lysine 154 with arginine.
Molecular consequence: missense variant.
Genome position (GRCh38, 1-based): chr6:73,003,970, A>G. VCF-style: chr6-73003970-A-G. GRCh37 (hg19) VCF-style: chr6-73713693-A-G.
Other names: c.461A>G, p.Lys154Arg (NM_001160130.2, NM_001160132.2, NM_001160133.2 and 1 more transcripts); short protein forms K154R.
Identifiers: ClinVar variation 4688426 (VCV004688426.1).
Genomic context (GRCh38, chr6:73,003,970, plus strand): 5'-TTCTCCTTGTCTTTGGTTGCTTGATTTTGTCAGTGTTTTCTACCATCCCTGAGCACACAA[A>G]ATTGGCCTCAAGTTGCCTCTTGATCCTGGTAAGTGAAACATGAACAAGAACGTACATGAA-3'
Protein context (NP_062816.2, residues 144-164): SVFSTIPEHT[Lys154Arg]LASSCLLILE